The following is an entry in ClinVar:

ClinVar aggregate classification (germline): Uncertain significance. Review status: criteria provided, multiple submitters, no conflicts (2 of 4 stars). 3 submissions from 3 submitters: Uncertain significance (3). Last evaluated 2024-07-09.

Conditions:
Epidermolysis bullosa simplex 3, localized or generalized intermediate, with BP230 deficiency (EBS3). Also called: Epidermolysis bullosa simplex due to BP230 deficiency; Epidermolysis bullosa simplex, autosomal recessive 2. Identifiers: Orphanet 412181, MedGen C3809470, MONDO:0014180, OMIM 615425.
Hereditary sensory and autonomic neuropathy type 6. Also called: HSAN VI; Neuropathy, hereditary sensory and autonomic, type VI. Identifiers: Orphanet 314381, MedGen C3539003, MONDO:0013839, OMIM 614653.

Allele frequency attached by ClinVar (database versions not stated): gnomAD 0.00002; TOPMed 0.00002; ExAC 0.00003; gnomAD exomes 0.00004 and 0.00009; ESP Exome Variant Server 0.00008.
gnomAD v4.1: 132 of 1,613,196 alleles (0.0082%); highest among the groups gnomAD compares: East Asian, 0.029%; 1 homozygote.

Submissions (3):

Mayo Clinic Laboratories, Mayo Clinic
Classification: Uncertain significance. Last evaluated: 2024-07-09. Review status: criteria provided, single submitter. Criteria: ACMG Guidelines, 2015. Collection method: clinical testing. Allele origin: germline. Observed: 1 variant allele.
Comment: PM2

Labcorp Genetics (formerly Invitae), Labcorp
Classification: Uncertain significance for Epidermolysis bullosa simplex 3, localized or generalized intermediate, with BP230 deficiency; Hereditary sensory and autonomic neuropathy type 6. Last evaluated: 2021-11-20. Review status: criteria provided, single submitter. Criteria: Invitae Variant Classification Sherloc (09022015). Collection method: clinical testing. Allele origin: germline.
Comment: This sequence change replaces arginine, which is basic and polar, with cysteine, which is neutral and slightly polar, at codon 1060 of the DST protein (p.Arg1060Cys). This variant is present in population databases (rs371741067, gnomAD 0.02%). This variant has not been reported in the literature in individuals affected with DST-related conditions. ClinVar contains an entry for this variant (Variation ID: 566073). Algorithms developed to predict the effect of missense changes on protein structure and function (SIFT, PolyPhen-2, Align-GVGD) all suggest that this variant is likely to be disruptive. In summary, the available evidence is currently insufficient to determine the role of this variant in disease. Therefore, it has been classified as a Variant of Uncertain Significance.

Breakthrough Genomics
Classification: Uncertain significance. Review status: criteria provided, single submitter. Criteria: ACMG Guidelines, 2015. Collection method: not provided. Allele origin: germline. Inheritance: Autosomal recessive inheritance. Affected: yes.

NM_001374736.1(DST):c.4789C>T (p.Arg1597Cys)

Gene: DST (dystonin; minus strand). Cytogenetic location: 6p12.1.
Variant type: single nucleotide variant.
Coding change: c.4789C>T on transcript NM_001374736.1 (MANE Select); coding-DNA position 4789, C replaced by T.
Protein change: p.Arg1597Cys; replaces arginine 1597 with cysteine.
Molecular consequence: missense variant.
Genome position (GRCh38, 1-based): chr6:56,625,198, G>A on the plus strand (C>T on the coding strand, the complement: DST is on the minus strand). VCF-style: chr6-56625198-G-A. GRCh37 (hg19) VCF-style: chr6-56489996-G-A.
Other names: p.Arg1060Cys; c.4690C>T, p.Arg1564Cys (NM_001144769.5); c.4276C>T, p.Arg1426Cys (NM_001144770.2); c.4789C>T, p.Arg1597Cys (NM_001374722.1); c.4156C>T, p.Arg1386Cys (NM_001374729.1, NM_001374730.1, NM_001386100.1 and 1 more transcripts); c.4816C>T, p.Arg1606Cys (NM_001374734.1); c.3178C>T, p.Arg1060Cys (NM_001723.7, NM_015548.5); short protein forms R1060C, R1386C, R1564C, R1426C, R1597C, R1606C.
Identifiers: ClinVar variation 566073 (VCV000566073.8), dbSNP rs371741067, ClinGen allele CA3870807.